The following is an entry in ClinVar:

ClinVar aggregate classification (germline): Uncertain significance. Review status: criteria provided, multiple submitters, no conflicts (2 of 4 stars). 2 submissions from 2 submitters: Uncertain significance (2). Last evaluated 2022-08-16.

Conditions:
Inborn genetic diseases. Identifiers: MedGen C0950123, MeSH D030342.

Allele frequency attached by ClinVar (database versions not stated): ExAC 0.00004; gnomAD exomes 0.00005 and 0.00008; TOPMed 0.00005; gnomAD 0.00006 and 0.00007; ESP Exome Variant Server 0.00024.
gnomAD v4.1: 122 of 1,613,896 alleles (0.0076%); highest among the groups gnomAD compares: Middle Eastern, 0.049%; no homozygotes.

Submissions (2):

Labcorp Genetics (formerly Invitae), Labcorp
Classification: Uncertain significance. Last evaluated: 2022-08-16. Review status: criteria provided, single submitter. Criteria: Invitae Variant Classification Sherloc (09022015). Collection method: clinical testing. Allele origin: germline.
Comment: This sequence change replaces isoleucine, which is neutral and non-polar, with threonine, which is neutral and polar, at codon 444 of the SMARCD2 protein (p.Ile444Thr). This variant is present in population databases (rs201042716, gnomAD 0.01%). This variant has not been reported in the literature in individuals affected with SMARCD2-related conditions. ClinVar contains an entry for this variant (Variation ID: 1006396). Algorithms developed to predict the effect of missense changes on protein structure and function are either unavailable or do not agree on the potential impact of this missense change (SIFT: "Tolerated"; PolyPhen-2: "Probably Damaging"; Align-GVGD: "Class C0"). In summary, the available evidence is currently insufficient to determine the role of this variant in disease. Therefore, it has been classified as a Variant of Uncertain Significance.

Ambry Genetics
Classification: Uncertain significance for Inborn genetic diseases. Last evaluated: 2021-08-16. Review status: criteria provided, single submitter. Criteria: Ambry Variant Classification Scheme 2023. Collection method: clinical testing. Allele origin: germline.

NM_001098426.2(SMARCD2):c.1331T>C (p.Ile444Thr)

Gene: SMARCD2 (SWI/SNF related BAF chromatin remodeling complex subunit D2; minus strand). Cytogenetic location: 17q23.3.
Variant type: single nucleotide variant.
Coding change: c.1331T>C on transcript NM_001098426.2 (MANE Select); coding-DNA position 1331, T replaced by C.
Protein change: p.Ile444Thr; replaces isoleucine 444 with threonine.
Molecular consequence: missense variant.
Genome position (GRCh38, 1-based): chr17:63,833,407, A>G on the plus strand (T>C on the coding strand, the complement: SMARCD2 is on the minus strand). VCF-style: chr17-63833407-A-G. GRCh37 (hg19) VCF-style: chr17-61910767-A-G.
Other names: c.1106T>C, p.Ile369Thr (NM_001330439.1); c.1187T>C, p.Ile396Thr (NM_001330440.2); c.1331T>C (NM_001098426.1); short protein forms I369T, I396T, I444T.
Identifiers: ClinVar variation 1006396 (VCV001006396.6), dbSNP rs201042716, ClinGen allele CA8706230.